The following is an entry in ClinVar:

ClinVar aggregate classification (germline): Uncertain significance. Review status: criteria provided, multiple submitters, no conflicts (2 of 4 stars). 2 submissions from 2 submitters: Uncertain significance (2). Last evaluated 2024-06-13.

Submissions (2):

Labcorp Genetics (formerly Invitae), Labcorp
Classification: Uncertain significance. Last evaluated: 2024-06-13. Review status: criteria provided, single submitter. Criteria: Invitae Variant Classification Sherloc (09022015). Collection method: clinical testing. Allele origin: germline.
Comment: This variant, c.684_686del, results in the deletion of 1 amino acid(s) of the HNF1B protein (p.Asn228del), but otherwise preserves the integrity of the reading frame. This variant is present in population databases (rs746117292, gnomAD 0.0009%). This variant has not been reported in the literature in individuals affected with HNF1B-related conditions. Experimental studies and prediction algorithms are not available or were not evaluated, and the functional significance of this variant is currently unknown. In summary, the available evidence is currently insufficient to determine the role of this variant in disease. Therefore, it has been classified as a Variant of Uncertain Significance.

GeneDx
Classification: Uncertain significance. Last evaluated: 2021-04-27. Review status: criteria provided, single submitter. Criteria: GeneDx Variant Classification Process June 2021. Collection method: clinical testing. Allele origin: germline. Affected: yes.
Comment: In silico analysis supports that this variant does not alter protein structure/function; In-frame deletion of 1 amino acid in a non-repeat region; Has not been previously published as pathogenic or benign to our knowledge

NM_000458.4(HNF1B):c.681CAA[1] (p.Asn228del)

Genes: HNF1B (HNF1 homeobox B; minus strand), LOC126862549 (BRD4-independent group 4 enhancer GRCh37_chr17:36093401-36094600; plus strand). Cytogenetic location: 17q12.
Variant type: Microsatellite.
Coding change: c.681CAA[1] on transcript NM_000458.4 (MANE Select); one copy of the 3-base unit CAA starting at c.681; the reference has two copies in a row; one copy, 3 bases deleted.
Protein change: p.Asn228del; deletes asparagine 228.
Molecular consequence: inframe deletion.
Genome position (GRCh38, 1-based): chr17:37,733,680-37,733,682, TTG deleted on the plus strand (CAA on the coding strand, the reverse complement: HNF1B is on the minus strand); deleting any 3 consecutive bases within chr17:37,733,680-37,733,685 gives the same sequence; the position shown is the placement nearest the transcript's 3' end. VCF-style (leftmost placement, unchanged base first): chr17-37733679-CTTG-C. GRCh37 (hg19) VCF-style: chr17-36093672-CTTG-C.
Other names: c.603CAA[1], p.Asn202del (NM_001165923.4, NM_001304286.2); short protein forms N202del, N228del.
Identifiers: ClinVar variation 1317001 (VCV001317001.3), dbSNP rs746117292, ClinGen allele CA8519028.